The following is an entry in ClinVar:

NM_000379.4(XDH):c.859C>G (p.Leu287Val)

Gene: XDH (xanthine dehydrogenase; minus strand). Cytogenetic location: 2p23.1.
Variant type: single nucleotide variant.
Coding change: c.859C>G on transcript NM_000379.4 (MANE Select); coding-DNA position 859, C replaced by G.
Protein change: p.Leu287Val; replaces leucine 287 with valine.
Molecular consequence: missense variant.
Genome position (GRCh38, 1-based): chr2:31,383,782, G>C on the plus strand (C>G on the coding strand, the complement: XDH is on the minus strand). VCF-style: chr2-31383782-G-C. GRCh37 (hg19) VCF-style: chr2-31606648-G-C.
Other names: short protein forms L287V.
Identifiers: ClinVar variation 898695 (VCV000898695.36), dbSNP rs138674014, ClinGen allele CA1599458.

ClinVar aggregate classification (germline): Conflicting classifications of pathogenicity. Review status: criteria provided, conflicting classifications (1 of 4 stars). 5 submissions from 5 submitters: Uncertain significance (2); Likely benign (3). Last evaluated 2026-01-22.

Conditions:
Xanthinuria type II. Also called: Xanthine dehydrogenase and aldehyde oxidase combined deficiency of; XDH and AOX dual deficiency. Identifiers: Orphanet 3467, Orphanet 93602, MedGen C1863688, MONDO:0011346, OMIM 603592.
XDH-related disorder. Also called: XDH-related condition.
Hereditary xanthinuria type 1 (XAN1). Identifiers: Orphanet 3467, Orphanet 93601, MedGen C0268118, MONDO:0010209, OMIM 278300.

Allele frequency attached by ClinVar (database versions not stated): ESP Exome Variant Server 0.00023; TOPMed 0.00046; 1000 Genomes Project 30x 0.00047; gnomAD 0.00052; 1000 Genomes Project 0.00060; gnomAD exomes 0.00072 and 0.00082; ExAC 0.00084.

Submissions (6):

Labcorp Genetics (formerly Invitae), Labcorp
Classification: Likely benign for Xanthinuria type II. Last evaluated: 2026-01-22. Review status: criteria provided, single submitter. Criteria: Invitae Variant Classification Sherloc (09022015). Collection method: clinical testing. Allele origin: germline.

CeGaT Center for Human Genetics Tuebingen
Classification: Likely benign. Last evaluated: 2025-10-01. Review status: criteria provided, single submitter. Criteria: CeGaT Center For Human Genetics Tuebingen Variant Classification Criteria Version 2. Collection method: clinical testing. Allele origin: germline. Affected: yes. Observed: 3 variant alleles.
Comment: XDH: BP4

PreventionGenetics, part of Exact Sciences
Classification: Likely benign for XDH-related condition. Last evaluated: 2025-04-15. Review status: criteria provided, single submitter. Criteria: ACMG Guidelines, 2015. Collection method: clinical testing. Allele origin: germline.
Comment: This variant is classified as likely benign based on ACMG/AMP sequence variant interpretation guidelines (Richards et al. 2015 PMID: 25741868, with internal and published modifications).

Illumina Laboratory Services, Illumina
Classification: Uncertain significance for Hereditary xanthinuria type 1. Last evaluated: 2017-04-27. Review status: criteria provided, single submitter. Criteria: ICSL Variant Classification Criteria 13 December 2019. Collection method: clinical testing. Allele origin: germline.
Comment: This variant was observed as part of a predisposition screen in an ostensibly healthy population. A literature search was performed for the gene, cDNA change, and amino acid change (where applicable). Publications were found based on this search. However, the evidence from the literature, in combination with allele frequency data from public databases where available, was not sufficient to rule this variant in or out of causing disease. Therefore, this variant is classified as a variant of unknown significance.

Breakthrough Genomics
Classification: Uncertain significance. Review status: criteria provided, single submitter. Criteria: ACMG Guidelines, 2015. Collection method: not provided. Allele origin: germline. Inheritance: Autosomal recessive inheritance. Affected: yes.

Dr. Peter K. Rogan Lab, Western University
No classification provided (evidence only). Condition: Thyroid cancer, nonmedullary, 1. Review status: no classification provided. Collection method: in vitro. Allele origin: not applicable. Functional consequence: retained intron. Not counted in ClinVar's aggregate classification.

Literature cited by the submitters: PubMed 26120850 (cited by Illumina Laboratory Services, Illumina).